The following is an entry in ClinVar:

NM_021072.4(HCN1):c.2477G>A (p.Gly826Asp)

Gene: HCN1 (hyperpolarization activated cyclic nucleotide gated potassium channel 1; minus strand). Cytogenetic location: 5p12.
Variant type: single nucleotide variant.
Coding change: c.2477G>A on transcript NM_021072.4 (MANE Select); coding-DNA position 2477, G replaced by A.
Protein change: p.Gly826Asp; replaces glycine 826 with aspartic acid.
Molecular consequence: missense variant.
Genome position (GRCh38, 1-based): chr5:45,262,117, C>T on the plus strand (G>A on the coding strand, the complement: HCN1 is on the minus strand). VCF-style: chr5-45262117-C-T. GRCh37 (hg19) VCF-style: chr5-45262219-C-T.
Other names: short protein forms G826D.
Identifiers: ClinVar variation 1363217 (VCV001363217.9), dbSNP rs1204287489, ClinGen allele CA359703265.

ClinVar aggregate classification (germline): Uncertain significance (1 of 4 stars; one submission).

Conditions:
Early-infantile DEE. Also called: Early infantile epileptic encephalopathy with suppression bursts; Early infantile epileptic encephalopathy; Ohtahara syndrome. Identifiers: Orphanet 1934, MedGen C0393706, MONDO:0800491.

Allele frequency attached by ClinVar (database versions not stated): gnomAD exomes below 0.00001.
gnomAD v4.1: 3 of 1,612,778 alleles (0.00019%); highest among the groups gnomAD compares: South Asian, 0.0022%; no homozygotes.

Submission:

Labcorp Genetics (formerly Invitae), Labcorp
Classification: Uncertain significance for Early-infantile DEE. Last evaluated: 2025-08-15. Review status: criteria provided, single submitter. Criteria: Invitae Variant Classification Sherloc (09022015). Collection method: clinical testing. Allele origin: germline.
Comment: This sequence change replaces glycine, which is neutral and non-polar, with aspartic acid, which is acidic and polar, at codon 826 of the HCN1 protein (p.Gly826Asp). This variant is present in population databases (no rsID available, gnomAD 0.0009%). This variant has not been reported in the literature in individuals affected with HCN1-related conditions. ClinVar contains an entry for this variant (Variation ID: 1363217). Invitae Evidence Modeling of protein sequence and biophysical properties (such as structural, functional, and spatial information, amino acid conservation, physicochemical variation, residue mobility, and thermodynamic stability) indicates that this missense variant is not expected to disrupt HCN1 protein function with a negative predictive value of 95%. In summary, the available evidence is currently insufficient to determine the role of this variant in disease. Therefore, it has been classified as a Variant of Uncertain Significance.